The following is an entry in ClinVar:

NM_001366385.1(CARD14):c.1476C>T (p.Phe492=)

Gene: CARD14 (caspase recruitment domain family member 14; plus strand). Cytogenetic location: 17q25.3.
Variant type: single nucleotide variant.
Coding change: c.1476C>T on transcript NM_001366385.1 (MANE Select); coding-DNA position 1476, C replaced by T.
Protein change: p.Phe492=; no amino-acid change (phenylalanine 492 retained).
Molecular consequence: synonymous variant. On other transcripts: non-coding transcript variant (1).
Genome position (GRCh38, 1-based): chr17:80,195,310, C>T. VCF-style: chr17-80195310-C-T. GRCh37 (hg19) VCF-style: chr17-78169109-C-T.
Other names: p.Phe492=; c.1476C>T, p.Phe492= (NM_024110.4, NM_001257970.1); c.765C>T, p.Phe255= (NM_052819.3).
Identifiers: ClinVar variation 527889 (VCV000527889.21), dbSNP rs144710573, ClinGen allele CA8816839.

ClinVar aggregate classification (germline): Benign/Likely benign. Review status: criteria provided, multiple submitters, no conflicts (2 of 4 stars). 6 submissions from 6 submitters: Benign (5); Likely benign (1). Last evaluated 2026-02-01.

Conditions:
Pityriasis rubra pilaris (PRP). Also called: Pityriasis rubra pilaris--familial type. Identifiers: Orphanet 2897, MedGen C0032027, MONDO:0100017, OMIM 173200, MONDO:0008251.
Psoriasis 2. Identifiers: MedGen C1864497, MONDO:0011269, OMIM 602723.
Autoinflammatory syndrome. Identifiers: Orphanet 93665, MedGen C3890737, MONDO:0019751.

Allele frequency attached by ClinVar (database versions not stated): gnomAD exomes 0.00070 and 0.00173; ExAC 0.00212; ESP Exome Variant Server 0.00384; gnomAD 0.00465 and 0.00483; TOPMed 0.00570; 1000 Genomes Project 0.00699; 1000 Genomes Project 30x 0.00734.
gnomAD v4.1: 1,763 of 1,612,350 alleles (0.11%); highest among the groups gnomAD compares: African/African-American, 1.5%; 17 homozygotes.

Submissions (6):

Labcorp Genetics (formerly Invitae), Labcorp
Classification: Benign for Pityriasis rubra pilaris; Psoriasis 2. Last evaluated: 2026-02-01. Review status: criteria provided, single submitter. Criteria: Invitae Variant Classification Sherloc (09022015). Collection method: clinical testing. Allele origin: germline.

Women's Health and Genetics/Laboratory Corporation of America, LabCorp
Classification: Benign. Last evaluated: 2026-01-22. Review status: criteria provided, single submitter. Criteria: LabCorp Variant Classification Summary - May 2015. Collection method: clinical testing. Allele origin: germline.

Mayo Clinic Laboratories, Mayo Clinic
Classification: Benign. Last evaluated: 2025-02-25. Review status: criteria provided, single submitter. Criteria: ACMG Guidelines, 2015. Collection method: clinical testing. Allele origin: germline. Observed: 3 variant alleles.
Comment: BS1, BS2, BP4, BP7

Blueprint Genetics
Classification: Benign. Last evaluated: 2024-11-21. Review status: criteria provided, single submitter. Criteria: ACMG Guidelines, 2015. Collection method: clinical testing. Allele origin: germline.

Genome Diagnostics Laboratory, The Hospital for Sick Children
Classification: Benign for Autoinflammatory syndrome. Last evaluated: 2021-05-03. Review status: criteria provided, single submitter. Criteria: ACMG Guidelines, 2015. Collection method: clinical testing. Allele origin: germline. Affected: yes.

GeneDx
Classification: Likely benign. Last evaluated: 2018-07-09. Review status: criteria provided, single submitter. Criteria: GeneDx Variant Classification Process June 2021. Collection method: clinical testing. Allele origin: germline. Affected: yes.